The following is an entry in ClinVar:

NM_000489.6(ATRX):c.2519G>T (p.Arg840Ile)

Gene: ATRX (ATRX chromatin remodeler; minus strand). Cytogenetic location: Xq21.1.
Variant type: single nucleotide variant.
Coding change: c.2519G>T on transcript NM_000489.6 (MANE Select); coding-DNA position 2519, G replaced by T.
Protein change: p.Arg840Ile; replaces arginine 840 with isoleucine.
Molecular consequence: missense variant.
Genome position (GRCh38, 1-based): chrX:77,682,737, C>A on the plus strand (G>T on the coding strand, the complement: ATRX is on the minus strand). VCF-style: chrX-77682737-C-A. GRCh37 (hg19) VCF-style: chrX-76938229-C-A.
Other names: c.2519G>T (NM_000489.4); c.2405G>T, p.Arg802Ile (NM_138270.5); short protein forms R840I, R802I.
Identifiers: ClinVar variation 2140748 (VCV002140748.5), dbSNP rs191682105, ClinGen allele CA10458074.

ClinVar aggregate classification (germline): Likely benign. Review status: criteria provided, multiple submitters, no conflicts (2 of 4 stars). 2 submissions from 2 submitters: Likely benign (2). Last evaluated 2025-09-02.

Conditions:
ATRX-related disorder. Also called: ATRX-related condition.
Alpha thalassemia-X-linked intellectual disability syndrome (ATRX). Also called: ALPHA-THALASSEMIA/MENTAL RETARDATION SYNDROME, X-LINKED; ATR, NONDELETION TYPE; ATR-X syndrome; Alpha thalassemia mental retardation syndrome, nondeletion type, X-linked; XLMR hypotonic face syndrome; X-linked alpha-thalassemia-mental retardation syndrome. Identifiers: Orphanet 847, MedGen C1845055, MONDO:0010519, OMIM 301040.

Allele frequency attached by ClinVar (database versions not stated): ExAC 0.00001; TOPMed 0.00001; gnomAD 0.00005; 1000 Genomes Project 0.00026; 1000 Genomes Project 30x 0.00042.
gnomAD v4.1: 21 of 1,207,653 alleles (0.0017%); highest among the groups gnomAD compares: Admixed American, 0.031%; no homozygotes.

Submissions (2):

Labcorp Genetics (formerly Invitae), Labcorp
Classification: Likely benign for Alpha thalassemia-X-linked intellectual disability syndrome. Last evaluated: 2025-09-02. Review status: criteria provided, single submitter. Criteria: Invitae Variant Classification Sherloc (09022015). Collection method: clinical testing. Allele origin: germline.

PreventionGenetics, part of Exact Sciences
Classification: Likely benign for ATRX-related condition. Last evaluated: 2025-01-13. Review status: criteria provided, single submitter. Criteria: ACMG Guidelines, 2015. Collection method: clinical testing. Allele origin: germline.
Comment: This variant is classified as likely benign based on ACMG/AMP sequence variant interpretation guidelines (Richards et al. 2015 PMID: 25741868, with internal and published modifications).